The following is an entry in ClinVar:

NM_001372076.1(PAX9):c.420C>A (p.Tyr140Ter)

Gene: PAX9 (paired box 9; plus strand). Cytogenetic location: 14q13.3.
Variant type: single nucleotide variant.
Coding change: c.420C>A on transcript NM_001372076.1 (MANE Select); coding-DNA position 420, C replaced by A.
Protein change: p.Tyr140Ter; replaces tyrosine 140 with a stop codon.
Molecular consequence: nonsense.
Genome position (GRCh38, 1-based): chr14:36,663,312, C>A. VCF-style: chr14-36663312-C-A. GRCh37 (hg19) VCF-style: chr14-37132517-C-A.
Other names: c.420C>A, p.Tyr140Ter (NM_006194.4); short protein forms Y140*.
Identifiers: ClinVar variation 1351539 (VCV001351539.6), dbSNP rs1881355965, ClinGen allele CA389466795.

ClinVar aggregate classification (germline): Pathogenic (1 of 4 stars; one submission).

Conditions:
Hypodontia. Also called: Partial congenital absence of teeth; TOOTH AGENESIS, FAMILIAL; Tooth agenesis, selective. Identifiers: Orphanet 99798, MedGen C0020608, MONDO:0005486, HP:0000668. Disease mechanism: loss of function.

Submission:

Labcorp Genetics (formerly Invitae), Labcorp
Classification: Pathogenic for Hypodontia. Last evaluated: 2021-10-12. Review status: criteria provided, single submitter. Criteria: Invitae Variant Classification Sherloc (09022015). Collection method: clinical testing. Allele origin: germline.
Comment: For these reasons, this variant has been classified as Pathogenic. This variant has not been reported in the literature in individuals affected with PAX9-related conditions. This variant is not present in population databases (ExAC no frequency). This sequence change creates a premature translational stop signal (p.Tyr140*) in the PAX9 gene. It is expected to result in an absent or disrupted protein product. Loss-of-function variants in PAX9 are known to be pathogenic (PMID: 14607846, 16236760, 16479262).

Literature cited by the submitters: PubMed 14607846; PubMed 16236760; PubMed 16479262.